The following is an entry in ClinVar:

ClinVar aggregate classification (germline): Uncertain significance. Review status: criteria provided, multiple submitters, no conflicts (2 of 4 stars). 3 submissions from 3 submitters: Uncertain significance (2). 1 of the submissions does not count toward it. Last evaluated 2018-01-12.

Conditions:
MESP2-related disorder. Also called: MESP2-related condition.
Spondylocostal dysostosis 2, autosomal recessive (SCDO2). Also called: MESP2-Related Spondylocostal Dysostosis, Autosomal Recessive; Spondylocostal dysostosis type 2. Identifiers: Orphanet 2311, MedGen C1837549, MONDO:0012097, OMIM 608681.

Allele frequency attached by ClinVar (database versions not stated): ExAC 0.00017; gnomAD exomes 0.00106; 1000 Genomes Project 30x 0.00703; gnomAD 0.00742 and 0.00779.

Submissions (3):

Illumina Laboratory Services, Illumina
Classification: Uncertain significance for Spondylocostal dysostosis 2, autosomal recessive. Last evaluated: 2018-01-12. Review status: criteria provided, single submitter. Criteria: ICSL Variant Classification Criteria 13 December 2019. Collection method: clinical testing. Allele origin: germline.

Breakthrough Genomics
Classification: Uncertain significance. Review status: criteria provided, single submitter. Criteria: ACMG Guidelines, 2015. Collection method: not provided. Allele origin: germline. Inheritance: Autosomal recessive inheritance. Affected: yes.

PreventionGenetics, part of Exact Sciences
Classification: Benign for MESP2-related condition. Last evaluated: 2020-01-07. Review status: no assertion criteria provided. Collection method: clinical testing. Allele origin: germline. Not counted in ClinVar's aggregate classification.
Comment: This variant is classified as benign based on ACMG/AMP sequence variant interpretation guidelines (Richards et al. 2015 PMID: 25741868, with internal and published modifications).

NM_001039958.2(MESP2):c.585A>G (p.Gly195=)

Gene: MESP2 (mesoderm posterior bHLH transcription factor 2; plus strand). Cytogenetic location: 15q26.1.
Variant type: single nucleotide variant.
Coding change: c.585A>G on transcript NM_001039958.2 (MANE Select); coding-DNA position 585, A replaced by G.
Protein change: p.Gly195=; no amino-acid change (glycine 195 retained).
Molecular consequence: synonymous variant.
Genome position (GRCh38, 1-based): chr15:89,776,942, A>G. VCF-style: chr15-89776942-A-G. GRCh37 (hg19) VCF-style: chr15-90320173-A-G.
Identifiers: ClinVar variation 317390 (VCV000317390.8), dbSNP rs113636330, ClinGen allele CA7730462.
Genomic context (GRCh38, chr15:89,776,942, plus strand): 5'-GCAGGCGGAGGGGCAGGGGCAAGGGCAGGGGCAGGGGCAGGGGCAAGGGCAGGGGCAAGG[A>G]CAGGGGCAAGGACAGGGGCAAGGGCAGGGGCGCAGGCCGGGCCTGGTCTCCGCCGTCCTC-3'
Protein context (NP_001035047.1, residues 185-205): GQGQGQGQGQ[Gly195=]QGQGQGQGQG